The following is an entry in ClinVar:

NM_004787.4(SLIT2):c.849C>T (p.Ile283=)

Gene: SLIT2 (slit guidance ligand 2; plus strand). Cytogenetic location: 4p15.31.
Variant type: single nucleotide variant.
Coding change: c.849C>T on transcript NM_004787.4 (MANE Select); coding-DNA position 849, C replaced by T.
Protein change: p.Ile283=; no amino-acid change (isoleucine 283 retained).
Molecular consequence: synonymous variant.
Genome position (GRCh38, 1-based): chr4:20,491,834, C>T. VCF-style: chr4-20491834-C-T. GRCh37 (hg19) VCF-style: chr4-20493457-C-T.
Other names: c.861C>T, p.Ile287= (NM_001289135.3); c.849C>T, p.Ile283= (NM_001289136.3).
Identifiers: ClinVar variation 2654691 (VCV002654691.24), dbSNP rs267600122, ClinGen allele CA2871238.

ClinVar aggregate classification (germline): Likely benign (1 of 4 stars; one submission).

Allele frequency attached by ClinVar (database versions not stated): TOPMed 0.00005; gnomAD 0.00007; gnomAD exomes 0.00008; ExAC 0.00009; ESP Exome Variant Server 0.00015.
gnomAD v4.1: 133 of 1,613,738 alleles (0.0082%); highest among the groups gnomAD compares: East Asian, 0.013%; no homozygotes.

Submission:

CeGaT Center for Human Genetics Tuebingen
Classification: Likely benign. Last evaluated: 2023-01-01. Review status: criteria provided, single submitter. Criteria: CeGaT Center For Human Genetics Tuebingen Variant Classification Criteria Version 2. Collection method: clinical testing. Allele origin: germline. Affected: yes. Observed: 1 variant allele.
Comment: SLIT2: BP4, BP7